The following is an entry in ClinVar:

NM_006904.7(PRKDC):c.3020T>C (p.Val1007Ala)

Gene: PRKDC (protein kinase, DNA-activated, catalytic subunit; minus strand). Cytogenetic location: 8q11.21.
Variant type: single nucleotide variant.
Coding change: c.3020T>C on transcript NM_006904.7 (MANE Select); coding-DNA position 3020, T replaced by C.
Protein change: p.Val1007Ala; replaces valine 1007 with alanine.
Molecular consequence: missense variant.
Genome position (GRCh38, 1-based): chr8:47,904,891, A>G on the plus strand (T>C on the coding strand, the complement: PRKDC is on the minus strand). VCF-style: chr8-47904891-A-G. GRCh37 (hg19) VCF-style: chr8-48817451-A-G.
Other names: c.3020T>C, p.Val1007Ala (NM_001081640.2); short protein forms V1007A.
Identifiers: ClinVar variation 1798917 (VCV001798917.2), dbSNP rs1303297595, ClinGen allele CA371157264.

ClinVar aggregate classification (germline): Uncertain significance (1 of 4 stars; one submission).

Allele frequency attached by ClinVar (database versions not stated): gnomAD exomes below 0.00001.
gnomAD v4.1: 1 of 1,610,766 alleles (0.000062%); highest among the groups gnomAD compares: Admixed American, 0.0017%; no homozygotes.

Submission:

Ambry Genetics
Classification: Uncertain significance. Last evaluated: 2021-09-01. Review status: criteria provided, single submitter. Criteria: Ambry Variant Classification Scheme 2023. Collection method: clinical testing. Allele origin: germline.
Comment: The p.V1007A variant (also known as c.3020T>C), located in coding exon 26 of the PRKDC gene, results from a T to C substitution at nucleotide position 3020. The valine at codon 1007 is replaced by alanine, an amino acid with similar properties. This amino acid position is conserved. In addition, this alteration is predicted to be tolerated by in silico analysis. Since supporting evidence is limited at this time, the clinical significance of this alteration remains unclear.